The following is an entry in ClinVar:

NM_198403.4(MMD2):c.637G>A (p.Ala213Thr)

Gene: MMD2 (monocyte to macrophage differentiation associated 2; minus strand). Cytogenetic location: 7p22.1.
Variant type: single nucleotide variant.
Coding change: c.637G>A on transcript NM_198403.4 (MANE Select); coding-DNA position 637, G replaced by A.
Protein change: p.Ala213Thr; replaces alanine 213 with threonine.
Molecular consequence: missense variant. On other transcripts: 3 prime UTR variant (1), non-coding transcript variant (1).
Genome position (GRCh38, 1-based): chr7:4,907,500, C>T on the plus strand (G>A on the coding strand, the complement: MMD2 is on the minus strand). VCF-style: chr7-4907500-C-T. GRCh37 (hg19) VCF-style: chr7-4947131-C-T.
Other names: c.709G>A, p.Ala237Thr (NM_001100600.2); c.*105G>A (NM_001270375.2); short protein forms A213T, A237T.
Identifiers: ClinVar variation 3355617 (VCV003355617.1).

ClinVar aggregate classification (germline): Uncertain significance (0 of 4 stars; one submission).

Conditions:
MMD2-related condition.

gnomAD v4.1: 55 of 1,613,820 alleles (0.0034%); highest among the groups gnomAD compares: Non-Finnish European, 0.0041%; no homozygotes.

Submission:

PreventionGenetics, part of Exact Sciences
Classification: Uncertain significance for MMD2-related condition. Last evaluated: 2024-03-20. Review status: no assertion criteria provided. Collection method: clinical testing. Allele origin: germline.
Comment: The MMD2 c.709G>A variant is predicted to result in the amino acid substitution p.Ala237Thr. This variant was reported to occur de novo in a patient with a developmental disorder (Table S2 in Turner et al. 2019. PubMed ID: 31785789). However, this variant has been observed in 55 alleles in gnomAD V4 data, indicating it is likely too common to be a primary cause of disease. Although we suspect that this variant may be benign, at this time, the clinical significance of this variant is uncertain due to the absence of conclusive functional and genetic evidence.